The following is an entry in ClinVar:

ClinVar aggregate classification (germline): Uncertain significance (1 of 4 stars; one submission).

Conditions:
Primary ciliary dyskinesia. Also called: Ciliary dyskinesia. Identifiers: Orphanet 244, MedGen C0008780, MONDO:0016575, HP:0012265.

gnomAD v4.1: 5 of 1,613,858 alleles (0.00031%); highest among the groups gnomAD compares: Non-Finnish European, 0.00042%; no homozygotes.

Submission:

Labcorp Genetics (formerly Invitae), Labcorp
Classification: Uncertain significance for Primary ciliary dyskinesia. Last evaluated: 2025-12-08. Review status: criteria provided, single submitter. Criteria: Invitae Variant Classification Sherloc (09022015). Collection method: clinical testing. Allele origin: germline.
Comment: This sequence change replaces aspartic acid, which is acidic and polar, with alanine, which is neutral and non-polar, at codon 3072 of the DNAH5 protein (p.Asp3072Ala). This variant is not present in population databases (gnomAD no frequency). This variant has not been reported in the literature in individuals affected with DNAH5-related conditions. ClinVar contains an entry for this variant (Variation ID: 3707987). Invitae Evidence Modeling of protein sequence and biophysical properties (such as structural, functional, and spatial information, amino acid conservation, physicochemical variation, residue mobility, and thermodynamic stability) indicates that this missense variant is not expected to disrupt DNAH5 protein function with a negative predictive value of 95%. In summary, the available evidence is currently insufficient to determine the role of this variant in disease. Therefore, it has been classified as a Variant of Uncertain Significance.

NM_001369.3(DNAH5):c.9215A>C (p.Asp3072Ala)

Gene: DNAH5 (dynein axonemal heavy chain 5; minus strand). Cytogenetic location: 5p15.2.
Variant type: single nucleotide variant.
Coding change: c.9215A>C on transcript NM_001369.3 (MANE Select); coding-DNA position 9215, A replaced by C.
Protein change: p.Asp3072Ala; replaces aspartic acid 3072 with alanine.
Molecular consequence: missense variant.
Genome position (GRCh38, 1-based): chr5:13,776,597, T>G on the plus strand (A>C on the coding strand, the complement: DNAH5 is on the minus strand). VCF-style: chr5-13776597-T-G. GRCh37 (hg19) VCF-style: chr5-13776706-T-G.
Other names: short protein forms D3072A.
Identifiers: ClinVar variation 3707987 (VCV003707987.2).
Genomic context (GRCh38, chr5:13,776,597, plus strand): 5'-CCCACTGGCGAGAAGCAGAGCACAATATGAAGGTTCTGTCGGACCCGACTCATGAAGTAG[T>G]CGTGCAGGTTCTCATTGGTAGGAAGGCACCTGGGGAATTCTTTTTTCATGACTGATGCCA-3'
Protein context (NP_001360.1, residues 3062-3082): RCLPTNENLH[Asp3072Ala]YFMSRVRQNL